The following is an entry in ClinVar:

NM_001042492.3(NF1):c.3497-19A>T

Gene: NF1 (neurofibromin 1; plus strand). Cytogenetic location: 17q11.2.
Variant type: single nucleotide variant.
Coding change: c.3497-19A>T on transcript NM_001042492.3 (MANE Select); 19 bases into the intron before coding-DNA position 3497, A replaced by T.
Molecular consequence: intron variant.
Genome position (GRCh38, 1-based): chr17:31,232,983, A>T. VCF-style: chr17-31232983-A-T. GRCh37 (hg19) VCF-style: chr17-29560001-A-T.
Other names: c.3497-19A>T (NM_000267.4).
Identifiers: ClinVar variation 2744797 (VCV002744797.4), dbSNP rs760615401, ClinGen allele CA2697559800.

ClinVar aggregate classification (germline): Likely benign. Review status: criteria provided, multiple submitters, no conflicts (2 of 4 stars). 2 submissions from 2 submitters: Likely benign (2). Last evaluated 2026-09-22.

Conditions:
Neurofibromatosis, type 1 (NF1). Also called: VON RECKLINGHAUSEN DISEASE; NEUROFIBROMATOSIS, TYPE I, SOMATIC; Peripheral type neurofibromatosis; Neurofibromatosis, type I. Identifiers: Orphanet 636, MedGen C0027831, MONDO:0018975, OMIM 162200. Disease mechanism: loss of function.

Submissions (2):

Myriad Genetics, Inc.
Classification: Likely benign for Neurofibromatosis, type 1. Last evaluated: 2026-09-22. Review status: criteria provided, single submitter. Criteria: Myriad Autosomal Dominant, Autosomal Recessive and X-Linked Classification Criteria (2023). Collection method: clinical testing. Allele origin: unknown.
Comment: This variant is considered likely benign. This variant is intronic and is not expected to impact mRNA splicing.

Labcorp Genetics (formerly Invitae), Labcorp
Classification: Likely benign for Neurofibromatosis, type 1. Last evaluated: 2024-12-04. Review status: criteria provided, single submitter. Criteria: Invitae Variant Classification Sherloc (09022015). Collection method: clinical testing. Allele origin: germline.